The following is an entry in ClinVar:

ClinVar aggregate classification (germline): Uncertain significance (1 of 4 stars; one submission).

gnomAD v4.1: 32 of 1,613,904 alleles (0.002%); highest among the groups gnomAD compares: Non-Finnish European, 0.0025%; no homozygotes.

Submission:

Labcorp Genetics (formerly Invitae), Labcorp
Classification: Uncertain significance. Last evaluated: 2025-08-09. Review status: criteria provided, single submitter. Criteria: Invitae Variant Classification Sherloc (09022015). Collection method: clinical testing. Allele origin: germline.
Comment: This sequence change replaces lysine, which is basic and polar, with asparagine, which is neutral and polar, at codon 139 of the KLF10 protein (p.Lys139Asn). This variant is present in population databases (no rsID available, gnomAD 0.002%). This variant has not been reported in the literature in individuals affected with KLF10-related conditions. ClinVar contains an entry for this variant (Variation ID: 3671020). An algorithm developed to predict the effect of missense changes on protein structure and function (PolyPhen-2) suggests that this variant is likely to be tolerated. In summary, the available evidence is currently insufficient to determine the role of this variant in disease. Therefore, it has been classified as a Variant of Uncertain Significance.

NM_005655.4(KLF10):c.417G>C (p.Lys139Asn)

Gene: KLF10 (KLF transcription factor 10; minus strand). Cytogenetic location: 8q22.3.
Variant type: single nucleotide variant.
Coding change: c.417G>C on transcript NM_005655.4 (MANE Select); coding-DNA position 417, G replaced by C.
Protein change: p.Lys139Asn; replaces lysine 139 with asparagine.
Molecular consequence: missense variant.
Genome position (GRCh38, 1-based): chr8:102,651,915, C>G on the plus strand (G>C on the coding strand, the complement: KLF10 is on the minus strand). VCF-style: chr8-102651915-C-G. GRCh37 (hg19) VCF-style: chr8-103664143-C-G.
Other names: c.384G>C, p.Lys128Asn (NM_001032282.4); short protein forms K128N, K139N.
Identifiers: ClinVar variation 3671020 (VCV003671020.2).